The following is an entry in ClinVar:

ClinVar aggregate classification (germline): Uncertain significance. Review status: criteria provided, single submitter (1 of 4 stars). 2 submissions from 2 submitters: Uncertain significance (1). 1 of the submissions does not count toward it. Last evaluated 2026-07-29.

Conditions:
Inborn genetic diseases. Identifiers: MedGen C0950123, MeSH D030342.
SMG8-related disorder. Also called: SMG8-related condition.

Allele frequency attached by ClinVar (database versions not stated): 1000 Genomes Project 0.00020; ExAC 0.00001; gnomAD 0.00007; 1000 Genomes Project 30x 0.00016.

Submissions (2):

Ambry Genetics
Classification: Uncertain significance for Inborn genetic diseases. Last evaluated: 2026-07-29. Review status: criteria provided, single submitter. Criteria: Ambry Variant Classification Scheme 2023. Collection method: clinical testing. Allele origin: germline.

PreventionGenetics, part of Exact Sciences
Classification: Uncertain significance for SMG8-related condition. Last evaluated: 2023-12-14. Review status: no assertion criteria provided. Collection method: clinical testing. Allele origin: germline. Not counted in ClinVar's aggregate classification.
Comment: The SMG8 c.857C>G variant is predicted to result in the amino acid substitution p.Ala286Gly. To our knowledge, this variant has not been reported in the literature. This variant is reported in 0.0029% of alleles in individuals of Latino descent in gnomAD. At this time, the clinical significance of this variant is uncertain due to the absence of conclusive functional and genetic evidence.

NM_018149.7(SMG8):c.857C>G (p.Ala286Gly)

Gene: SMG8 (SMG8 nonsense mediated mRNA decay factor; plus strand). Cytogenetic location: 17q22.
Variant type: single nucleotide variant.
Coding change: c.857C>G on transcript NM_018149.7 (MANE Select); coding-DNA position 857, C replaced by G.
Protein change: p.Ala286Gly; replaces alanine 286 with glycine.
Molecular consequence: missense variant.
Genome position (GRCh38, 1-based): chr17:59,210,908, C>G. VCF-style: chr17-59210908-C-G. GRCh37 (hg19) VCF-style: chr17-57288269-C-G.
Other names: short protein forms A286G.
Identifiers: ClinVar variation 3032972 (VCV003032972.4), dbSNP rs199713610, ClinGen allele CA8679520.
Genomic context (GRCh38, chr17:59,210,908, plus strand): 5'-TTTTCCTCTTTCAACTCAATGGAGCCCTCAAGGTAGAACCTCCTCGGAACCAAGACCCAG[C>G]TCATCCAGACAAGCCCAAGAAACATTCTCCCAAAAGGAGGCTGCAGCATGCCCTGGAGGA-3'
Protein context (NP_060619.4, residues 276-296): KVEPPRNQDP[Ala286Gly]HPDKPKKHSP